The following is an entry in ClinVar:

NM_000078.3(CETP):c.677G>C (p.Gly226Ala)

Gene: CETP (cholesteryl ester transfer protein; plus strand). Cytogenetic location: 16q13.
Variant type: single nucleotide variant.
Coding change: c.677G>C on transcript NM_000078.3 (MANE Select); coding-DNA position 677, G replaced by C.
Protein change: p.Gly226Ala; replaces glycine 226 with alanine.
Molecular consequence: missense variant.
Genome position (GRCh38, 1-based): chr16:56,972,010, G>C. VCF-style: chr16-56972010-G-C. GRCh37 (hg19) VCF-style: chr16-57005922-G-C.
Other names: c.677G>C, p.Gly226Ala (NM_001286085.2); short protein forms G226A.
Identifiers: ClinVar variation 4743510 (VCV004743510.1).

ClinVar aggregate classification (germline): Uncertain significance (1 of 4 stars; one submission).

Submission:

Labcorp Genetics (formerly Invitae), Labcorp
Classification: Uncertain significance. Last evaluated: 2025-10-26. Review status: criteria provided, single submitter. Criteria: Invitae Variant Classification Sherloc (09022015). Collection method: clinical testing. Allele origin: germline.
Comment: This sequence change replaces glycine, which is neutral and non-polar, with alanine, which is neutral and non-polar, at codon 226 of the CETP protein (p.Gly226Ala). This variant is not present in population databases (gnomAD no frequency). This variant has not been reported in the literature in individuals affected with CETP-related conditions. Invitae Evidence Modeling of protein sequence and biophysical properties (such as structural, functional, and spatial information, amino acid conservation, physicochemical variation, residue mobility, and thermodynamic stability) indicates that this missense variant is expected to disrupt CETP protein function with a positive predictive value of 80%. In summary, the available evidence is currently insufficient to determine the role of this variant in disease. Therefore, it has been classified as a Variant of Uncertain Significance.